The following is an entry in ClinVar:

ClinVar aggregate classification (germline): Likely pathogenic (1 of 4 stars; one submission).

Conditions:
IFT122-related disorder. Also called: IFT122-related condition.

Allele frequency attached by ClinVar (database versions not stated): gnomAD exomes below 0.00001.
gnomAD v4.1: 4 of 1,613,892 alleles (0.00025%); highest among the groups gnomAD compares: Non-Finnish European, 0.00034%; no homozygotes.

Submission:

PreventionGenetics, part of Exact Sciences
Classification: Likely pathogenic for IFT122-related condition. Last evaluated: 2022-12-19. Review status: criteria provided, single submitter. Criteria: ACMG Guidelines, 2015. Collection method: clinical testing. Allele origin: germline.
Comment: The IFT122 c.722G>A variant is predicted to result in premature protein termination (p.Trp241*). To our knowledge, this variant has not been reported in the literature. This variant is reported in 0.00088% of alleles in individuals of European (Non-Finnish) descent in gnomAD. Nonsense variants in IFT122 are expected to be pathogenic. This variant is interpreted as likely pathogenic.

NM_052989.3(IFT122):c.569G>A (p.Trp190Ter)

Gene: IFT122 (intraflagellar transport 122; plus strand). Cytogenetic location: 3q21.3.
Variant type: single nucleotide variant.
Coding change: c.569G>A on transcript NM_052989.3 (MANE Select); coding-DNA position 569, G replaced by A.
Protein change: p.Trp190Ter; replaces tryptophan 190 with a stop codon.
Molecular consequence: nonsense. On other transcripts: intron variant (9).
Genome position (GRCh38, 1-based): chr3:129,466,895, G>A. VCF-style: chr3-129466895-G-A. GRCh37 (hg19) VCF-style: chr3-129185738-G-A.
Other names: c.119G>A, p.Trp40Ter (NM_001280545.2); c.569G>A, p.Trp190Ter (NM_001410808.1, NM_001410809.1); c.722G>A, p.Trp241Ter (NM_052985.4); c.716+2114G>A (NM_001280541.2); c.563+2114G>A (NM_001410810.1, NM_018262.4, NM_001410811.1 and 1 more transcripts); c.113+2114G>A (NM_001280546.2); c.407+2114G>A (NM_052990.3, NM_001410815.1, NM_001410817.1); short protein forms W190*, W241*, W40*.
Identifiers: ClinVar variation 2629981 (VCV002629981.1), dbSNP rs1240946692, ClinGen allele CA354469482.